The following is an entry in ClinVar:

NM_000027.4(AGA):c.770C>T (p.Thr257Ile)

Gene: AGA (aspartylglucosaminidase; minus strand). Cytogenetic location: 4q34.3.
Variant type: single nucleotide variant.
Coding change: c.770C>T on transcript NM_000027.4 (MANE Select); coding-DNA position 770, C replaced by T.
Protein change: p.Thr257Ile; replaces threonine 257 with isoleucine.
Molecular consequence: missense variant. On other transcripts: non-coding transcript variant (1).
Genome position (GRCh38, 1-based): chr4:177,434,418, G>A on the plus strand (C>T on the coding strand, the complement: AGA is on the minus strand). VCF-style: chr4-177434418-G-A. GRCh37 (hg19) VCF-style: chr4-178355572-G-A.
Other names: c.740C>T, p.Thr247Ile (NM_001171988.2); short protein forms T257I, T247I.
Identifiers: ClinVar variation 55953 (VCV000055953.7), dbSNP rs386833434, ClinGen allele CA144033.
Genomic context (GRCh38, chr4:177,434,418, plus strand): 5'-AATTCACAAACTAAGAAGTCATACCTTGGCAGGAAGCGCATCAATATATCACCATTCCCA[G>A]TGGCTGCGGCTGCCCCTGCAGTATCGTCAGCATAGGCTCCAGCTCCAGGTATTGGTGAGT-3'
Protein context (NP_000018.2, residues 247-267): ADDTAGAAAA[Thr257Ile]GNGDILMRFL

ClinVar aggregate classification (germline): Conflicting classifications of pathogenicity. Review status: criteria provided, conflicting classifications (1 of 4 stars). 3 submissions from 3 submitters: Likely pathogenic (1); Uncertain significance (1). 1 of the submissions does not count toward it. Last evaluated 2023-08-21.

Conditions:
Aspartylglucosaminuria (AGU). Also called: AGA DEFICIENCY; GLYCOASPARAGINASE; GLYCOSYLASPARAGINASE DEFICIENCY; Aspartylglucos-aminuria; Aspartylglucos-amidase (AGA) deficiency. Identifiers: Orphanet 93, MedGen C0268225, MONDO:0008830, OMIM 208400, HP:0012068.

Allele frequency attached by ClinVar (database versions not stated): gnomAD exomes below 0.00001 and 0.00001.
gnomAD v4.1: 2 of 1,614,160 alleles (0.00012%); no homozygotes.

Submissions (3):

Baylor Genetics
Classification: Likely pathogenic for Aspartylglucosaminuria. Last evaluated: 2023-08-21. Review status: criteria provided, single submitter. Criteria: ACMG Guidelines, 2015. Collection method: clinical testing. Allele origin: unknown.

Labcorp Genetics (formerly Invitae), Labcorp
Classification: Uncertain significance for Aspartylglucosaminuria. Last evaluated: 2022-08-23. Review status: criteria provided, single submitter. Criteria: Invitae Variant Classification Sherloc (09022015). Collection method: clinical testing. Allele origin: germline.
Comment: In summary, the available evidence is currently insufficient to determine the role of this variant in disease. Therefore, it has been classified as a Variant of Uncertain Significance. Experimental studies have shown that this missense change affects AGA function (PMID: 11309371, 29993127). Algorithms developed to predict the effect of missense changes on protein structure and function are either unavailable or do not agree on the potential impact of this missense change (SIFT: "Deleterious"; PolyPhen-2: "Probably Damaging"; Align-GVGD: "Class C15"). ClinVar contains an entry for this variant (Variation ID: 55953). This variant is also known as Thr234Ile. This missense change has been observed in individual(s) with aspartylglucosaminuria (PMID: 11309371). This variant is present in population databases (rs386833434, gnomAD 0.004%). This sequence change replaces threonine, which is neutral and polar, with isoleucine, which is neutral and non-polar, at codon 257 of the AGA protein (p.Thr257Ile).

Juha Muilu Group; Institute for Molecular Medicine Finland (FIMM)
Classification: Likely pathogenic for Aspartylglycosaminuria. Review status: no assertion criteria provided. Collection method: not provided. Allele origin: unknown. Not counted in ClinVar's aggregate classification.
Comment: FinDis database variant: This variant was not found or characterized by our laboratory, data were collected from public sources: see reference
ClinVar note: Converted during submission from probable-pathogenic to Likely pathogenic.

Literature cited by the submitters: PubMed 11309371 (cited by Labcorp Genetics (formerly Invitae), Labcorp); PubMed 29993127 (cited by Labcorp Genetics (formerly Invitae), Labcorp).